The following is an entry in ClinVar:

NM_000138.5(FBN1):c.593A>G (p.Gln198Arg)

Gene: FBN1 (fibrillin 1; minus strand). Cytogenetic location: 15q21.1.
Variant type: single nucleotide variant.
Coding change: c.593A>G on transcript NM_000138.5 (MANE Select); coding-DNA position 593, A replaced by G.
Protein change: p.Gln198Arg; replaces glutamine 198 with arginine.
Molecular consequence: missense variant.
Genome position (GRCh38, 1-based): chr15:48,537,754, T>C on the plus strand (A>G on the coding strand, the complement: FBN1 is on the minus strand). VCF-style: chr15-48537754-T-C. GRCh37 (hg19) VCF-style: chr15-48829951-T-C.
Other names: c.593A>G, p.Gln198Arg (NM_001406717.1, NM_001406716.1); short protein forms Q198R.
Identifiers: ClinVar variation 4787595 (VCV004787595.1).

ClinVar aggregate classification (germline): Uncertain significance (1 of 4 stars; one submission).

Conditions:
Marfan syndrome (MFS). Also called: FBN1-Related Marfan Syndrome; MARFAN SYNDROME, TYPE I; Marfan syndrome type 1; Marfan's syndrome; Marfan syndrome, classic. Identifiers: Orphanet 284963, Orphanet 558, MedGen C0024796, MONDO:0007947, OMIM 154700.
Familial thoracic aortic aneurysm and aortic dissection (TAAD). Also called: Thoracic aortic aneurysms and dissections. Identifiers: Orphanet 91387, MedGen C4707243, MONDO:0019625.

gnomAD v4.1: 2 of 1,614,212 alleles (0.00012%); highest among the groups gnomAD compares: Admixed American, 0.0017%; no homozygotes.

Submission:

Labcorp Genetics (formerly Invitae), Labcorp
Classification: Uncertain significance for Marfan syndrome; Familial thoracic aortic aneurysm and aortic dissection. Last evaluated: 2025-08-17. Review status: criteria provided, single submitter. Criteria: Invitae Variant Classification Sherloc (09022015). Collection method: clinical testing. Allele origin: germline.
Comment: This sequence change replaces glutamine, which is neutral and polar, with arginine, which is basic and polar, at codon 198 of the FBN1 protein (p.Gln198Arg). This variant is present in population databases (no rsID available, gnomAD 0.003%). This variant has not been reported in the literature in individuals affected with FBN1-related conditions. Invitae Evidence Modeling of protein sequence and biophysical properties (such as structural, functional, and spatial information, amino acid conservation, physicochemical variation, residue mobility, and thermodynamic stability) indicates that this missense variant is expected to disrupt FBN1 protein function with a positive predictive value of 95%. In summary, the available evidence is currently insufficient to determine the role of this variant in disease. Therefore, it has been classified as a Variant of Uncertain Significance.